The following is an entry in ClinVar:

ClinVar aggregate classification (germline): Uncertain significance. Review status: criteria provided, multiple submitters, no conflicts (2 of 4 stars). 4 submissions from 4 submitters: Uncertain significance (4). Last evaluated 2023-11-15.

Conditions:
L-2-hydroxyglutaric aciduria (L2HGA). Identifiers: Orphanet 79314, MedGen C1855995, MONDO:0009370, OMIM 236792, HP:0040144.

Allele frequency attached by ClinVar (database versions not stated): gnomAD exomes 0.00001 and 0.00003; ExAC 0.00004; gnomAD 0.00010 and 0.00012; TOPMed 0.00014; ESP Exome Variant Server 0.00015.
gnomAD v4.1: 34 of 1,467,292 alleles (0.0023%); highest among the groups gnomAD compares: African/African-American, 0.038%; no homozygotes.

Submissions (4):

Revvity Omics, Revvity
Classification: Uncertain significance for L-2-hydroxyglutaric aciduria. Last evaluated: 2023-11-15. Review status: criteria provided, single submitter. Criteria: ACMG Guidelines, 2015. Collection method: clinical testing. Allele origin: germline.

Labcorp Genetics (formerly Invitae), Labcorp
Classification: Uncertain significance for L-2-hydroxyglutaric aciduria. Last evaluated: 2022-03-19. Review status: criteria provided, single submitter. Criteria: Invitae Variant Classification Sherloc (09022015). Collection method: clinical testing. Allele origin: germline.
Comment: In summary, the available evidence is currently insufficient to determine the role of this variant in disease. Therefore, it has been classified as a Variant of Uncertain Significance. Algorithms developed to predict the effect of missense changes on protein structure and function (SIFT, PolyPhen-2, Align-GVGD) all suggest that this variant is likely to be disruptive. ClinVar contains an entry for this variant (Variation ID: 1301784). This variant has not been reported in the literature in individuals affected with L2HGDH-related conditions. This variant is present in population databases (rs149220807, gnomAD 0.03%). This sequence change replaces tyrosine, which is neutral and polar, with cysteine, which is neutral and slightly polar, at codon 238 of the L2HGDH protein (p.Tyr238Cys).

Dubai Health Genomic Medicine Center, Dubai Health
Classification: Uncertain significance for L-2-hydroxyglutaric aciduria. Last evaluated: 2020-02-18. Review status: criteria provided, single submitter. Criteria: ACMG Guidelines, 2015. Collection method: clinical testing. Allele origin: germline. Affected: yes.
Comment: The p.Tyr238Cys missense variant in L2HGDH has not been previously reported in affected individuals but was observed in 6/21764 (0.03% 0 homozygotes) African alleles in gnomAD (Genome Aggregation Database). Conservation analysis and computational tools suggest an impact to protein function though this information is not predictive enough to confirm pathogenicity. In summary more information is needed to determine the clinical significance of this variant.

Blueprint Genetics
Classification: Uncertain significance. Last evaluated: 2019-10-17. Review status: criteria provided, single submitter. Criteria: ACMG Guidelines, 2015. Collection method: clinical testing. Allele origin: germline.

NM_024884.3(L2HGDH):c.713A>G (p.Tyr238Cys)

Gene: L2HGDH (L-2-hydroxyglutarate dehydrogenase; minus strand). Cytogenetic location: 14q21.3.
Variant type: single nucleotide variant.
Coding change: c.713A>G on transcript NM_024884.3 (MANE Select); coding-DNA position 713, A replaced by G.
Protein change: p.Tyr238Cys; replaces tyrosine 238 with cysteine.
Molecular consequence: missense variant.
Genome position (GRCh38, 1-based): chr14:50,278,545, T>C on the plus strand (A>G on the coding strand, the complement: L2HGDH is on the minus strand). VCF-style: chr14-50278545-T-C. GRCh37 (hg19) VCF-style: chr14-50745263-T-C.
Other names: short protein forms Y238C.
Identifiers: ClinVar variation 1301784 (VCV001301784.11), dbSNP rs149220807, ClinGen allele CA7177922.